The following is an entry in ClinVar:

ClinVar aggregate classification (germline): Pathogenic (1 of 4 stars; one submission).

Submission:

Labcorp Genetics (formerly Invitae), Labcorp
Classification: Pathogenic. Last evaluated: 2022-07-12. Review status: criteria provided, single submitter. Criteria: Invitae Variant Classification Sherloc (09022015). Collection method: clinical testing. Allele origin: germline.
Comment: ClinVar contains an entry for this variant (Variation ID: 1454823). This sequence change creates a premature translational stop signal (p.Gly2237Alafs*24) in the KMT2B gene. It is expected to result in an absent or disrupted protein product. Loss-of-function variants in KMT2B are known to be pathogenic (PMID: 27839873, 27992417). This variant is not present in population databases (gnomAD no frequency). This variant has not been reported in the literature in individuals affected with KMT2B-related conditions. Algorithms developed to predict the effect of sequence changes on RNA splicing suggest that this variant may disrupt the consensus splice site. For these reasons, this variant has been classified as Pathogenic.

Literature cited by the submitters: PubMed 27839873; PubMed 27992417.

NM_014727.3(KMT2B):c.6710del (p.Gly2237fs)

Gene: KMT2B (lysine methyltransferase 2B; plus strand). Cytogenetic location: 19q13.12.
Variant type: Deletion.
Coding change: c.6710del on transcript NM_014727.3 (MANE Select); coding-DNA position 6710, one base deleted (G; older notation c.6710delG).
Protein change: p.Gly2237fs; shifts the reading frame from glycine 2237.
Molecular consequence: frameshift variant.
Genome position (GRCh38, 1-based): chr19:35,733,259, G deleted; the last of 2 consecutive G bases (chr19:35,733,258-35,733,259); deleting either gives the same sequence. VCF-style (leftmost placement, unchanged base first): chr19-35733257-AG-A. GRCh37 (hg19) VCF-style: chr19-36224158-AG-A.
Other names: short protein forms G2237fs.
Identifiers: ClinVar variation 1454823 (VCV001454823.6), dbSNP rs2146470550, ClinGen allele CA2573156249.